The following is an entry in ClinVar:

ClinVar aggregate classification (germline): Uncertain significance (1 of 4 stars; one submission).

Submission:

CeGaT Center for Human Genetics Tuebingen
Classification: Uncertain significance. Last evaluated: 2025-06-01. Review status: criteria provided, single submitter. Criteria: CeGaT Center For Human Genetics Tuebingen Variant Classification Criteria Version 2. Collection method: clinical testing. Allele origin: germline. Affected: yes. Observed: 1 variant allele.
Comment: ITPR3: PM2, PP3

NM_002224.4(ITPR3):c.7933_7947+8del

Genes: ITPR3 (inositol 1,4,5-trisphosphate receptor type 3; plus strand), LOC126859658 (CDK7 strongly-dependent group 2 enhancer GRCh37_chr6:33662237-33663436; plus strand). Cytogenetic location: 6p21.31.
Variant type: Deletion.
Coding change: c.7933_7947+8del on transcript NM_002224.4 (MANE Select); coding-DNA position 7933 through 8 bases into the intron after coding-DNA position 7947, 23 bases deleted (GAGCTCAAGGAGCAGGTGTGCAC).
Molecular consequence: splice donor variant.
Genome position (GRCh38, 1-based): chr6:33,695,071-33,695,093, GAGCTCAAGGAGCAGGTGTGCAC deleted; deleting any 23 consecutive bases within chr6:33,695,069-33,695,093 gives the same sequence; the c. name uses the placement nearest the transcript's 3' end. VCF-style (leftmost placement, unchanged base first): chr6-33695068-AACGAGCTCAAGGAGCAGGTGTGC-A. GRCh37 (hg19) VCF-style: chr6-33662845-AACGAGCTCAAGGAGCAGGTGTGC-A.
Identifiers: ClinVar variation 4084616 (VCV004084616.8).